The following is an entry in ClinVar:

ClinVar aggregate classification (germline): Uncertain significance. Review status: criteria provided, multiple submitters, no conflicts (2 of 4 stars). 2 submissions from 2 submitters: Uncertain significance (2). Last evaluated 2026-07-01.

Conditions:
Glycogen storage disease, type II (IOPD). Also called: CARDIOMEGALIA GLYCOGENICA DIFFUSA; GLYCOGENOSIS, GENERALIZED, CARDIAC FORM; GSD II; Glycogen storage disease type 2; Acid maltase deficiency disease; Aglucosidase alfa. Identifiers: Orphanet 365, MedGen C0017921, MONDO:0009290, OMIM 232300.

gnomAD v4.1: 1 of 1,613,030 alleles (0.000062%); highest among the groups gnomAD compares: Non-Finnish European, 0.000085%; no homozygotes.

Submissions (2):

Genomenon, Inc
Classification: Uncertain significance for Glycogen storage disease, type II. Last evaluated: 2026-07-01. Review status: criteria provided, single submitter. Criteria: Genomenon Sequence Variant Interpretation Standards - Updated. Collection method: curation. Allele origin: germline. Affected: yes.
Comment: GAA p.Thr602Ile (c.1805C>T) is a missense variant that changes the amino acid at codon 602 from Threonine to Isoleucine. This variant has been observed in at least one proband with a GAA-related disorder in the compound heterozygous and/or homozygous state (PMID:34501319;39914294). It is absent or not present at a significant frequency in gnomAD. In conclusion, we classify GAA p.Thr602Ile (c.1805C>T) as a variant of uncertain significance.

Labcorp Genetics (formerly Invitae), Labcorp
Classification: Uncertain significance for Glycogen storage disease, type II. Last evaluated: 2022-03-06. Review status: criteria provided, single submitter. Criteria: Invitae Variant Classification Sherloc (09022015). Collection method: clinical testing. Allele origin: germline.
Comment: This missense change has been observed in individual(s) with a positive newborn screening result for GAA-related disease (PMID: 27238910). Advanced modeling of protein sequence and biophysical properties (such as structural, functional, and spatial information, amino acid conservation, physicochemical variation, residue mobility, and thermodynamic stability) performed at Invitae indicates that this missense variant is expected to disrupt GAA protein function. In summary, the available evidence is currently insufficient to determine the role of this variant in disease. Therefore, it has been classified as a Variant of Uncertain Significance. This variant is not present in population databases (gnomAD no frequency). This sequence change replaces threonine, which is neutral and polar, with isoleucine, which is neutral and non-polar, at codon 602 of the GAA protein (p.Thr602Ile).

Literature cited by the submitters: PubMed 34501319 (cited by Genomenon, Inc); PubMed 39914294 (cited by Genomenon, Inc); PubMed 27238910 (cited by Labcorp Genetics (formerly Invitae), Labcorp).

NM_000152.5(GAA):c.1805C>T (p.Thr602Ile)

Gene: GAA (alpha glucosidase; plus strand). Cytogenetic location: 17q25.3.
Variant type: single nucleotide variant.
Coding change: c.1805C>T on transcript NM_000152.5 (MANE Select); coding-DNA position 1805, C replaced by T.
Protein change: p.Thr602Ile; replaces threonine 602 with isoleucine.
Molecular consequence: missense variant.
Genome position (GRCh38, 1-based): chr17:80,112,628, C>T. VCF-style: chr17-80112628-C-T. GRCh37 (hg19) VCF-style: chr17-78086427-C-T.
Other names: c.1805C>T, p.Thr602Ile (NM_001079803.3, NM_001079804.3, NM_001406741.1 and 1 more transcripts); short protein forms T602I.
Identifiers: ClinVar variation 1956784 (VCV001956784.6), dbSNP rs753034060, ClinGen allele CA401369445.